The following is an entry in ClinVar:

ClinVar aggregate classification (germline): Uncertain significance. Review status: criteria provided, multiple submitters, no conflicts (2 of 4 stars). 2 submissions from 2 submitters: Uncertain significance (2). Last evaluated 2025-05-08.

Conditions:
Hereditary cancer-predisposing syndrome. Also called: Neoplastic Syndromes, Hereditary; Hereditary Cancer Syndrome; Hereditary neoplastic syndrome; Tumor predisposition. Identifiers: Orphanet 140162, MedGen C0027672, MeSH D009386, MONDO:0015356.
DICER1-related tumor predisposition. Also called: DICER1-related pleuropulmonary blastoma cancer predisposition syndrome; DICER1 syndrome. Identifiers: Orphanet 284343, MedGen C3839822, MONDO:0100216.

Allele frequency attached by ClinVar (database versions not stated): ExAC 0.00001.

Submissions (2):

Ambry Genetics
Classification: Uncertain significance for Hereditary cancer-predisposing syndrome. Last evaluated: 2025-05-08. Review status: criteria provided, single submitter. Criteria: Ambry Variant Classification Scheme 2023. Collection method: clinical testing. Allele origin: germline.
Comment: The p.M1808L variant (also known as c.5422A>C), located in coding exon 24 of the DICER1 gene, results from an A to C substitution at nucleotide position 5422. The methionine at codon 1808 is replaced by leucine, an amino acid with highly similar properties. This amino acid position is highly conserved in available vertebrate species. In addition, the in silico prediction for this alteration is inconclusive. Based on the available evidence, the clinical significance of this variant remains unclear.

Labcorp Genetics (formerly Invitae), Labcorp
Classification: Uncertain significance for DICER1-related tumor predisposition. Last evaluated: 2024-12-18. Review status: criteria provided, single submitter. Criteria: Invitae Variant Classification Sherloc (09022015). Collection method: clinical testing. Allele origin: germline.
Comment: This sequence change replaces methionine, which is neutral and non-polar, with leucine, which is neutral and non-polar, at codon 1808 of the DICER1 protein (p.Met1808Leu). This variant is present in population databases (rs763241498, gnomAD 0.0009%). This variant has not been reported in the literature in individuals affected with DICER1-related conditions. ClinVar contains an entry for this variant (Variation ID: 825722). Invitae Evidence Modeling of protein sequence and biophysical properties (such as structural, functional, and spatial information, amino acid conservation, physicochemical variation, residue mobility, and thermodynamic stability) indicates that this missense variant is not expected to disrupt DICER1 protein function with a negative predictive value of 95%. In summary, the available evidence is currently insufficient to determine the role of this variant in disease. Therefore, it has been classified as a Variant of Uncertain Significance.

NM_177438.3(DICER1):c.5422A>C (p.Met1808Leu)

Gene: DICER1 (dicer 1, ribonuclease III; minus strand). Cytogenetic location: 14q32.13.
Variant type: single nucleotide variant.
Coding change: c.5422A>C on transcript NM_177438.3 (MANE Select); coding-DNA position 5422, A replaced by C.
Protein change: p.Met1808Leu; replaces methionine 1808 with leucine.
Molecular consequence: missense variant. On other transcripts: intron variant (1).
Genome position (GRCh38, 1-based): chr14:95,091,308, T>G on the plus strand (A>C on the coding strand, the complement: DICER1 is on the minus strand). VCF-style: chr14-95091308-T-G. GRCh37 (hg19) VCF-style: chr14-95557645-T-G.
Other names: c.5422A>C, p.Met1808Leu (NM_001271282.3, NM_001291628.2, NM_030621.4); c.5365-199A>C (NM_001195573.1); short protein forms M1808L.
Identifiers: ClinVar variation 825722 (VCV000825722.10), dbSNP rs763241498, ClinGen allele CA7330664.